The following continues an entry in ClinVar:

NM_000051.4(ATM):c.4631A>G (p.Tyr1544Cys)

Gene: ATM. ClinVar aggregate classification (germline): Conflicting classifications of pathogenicity. Uncertain significance (12); Likely benign (1).

Submissions 11 to 18 of 18:

ARUP Laboratories, Molecular Genetics and Genomics, ARUP Laboratories
Classification: Uncertain significance. Last evaluated: 2019-11-24. Review status: criteria provided, single submitter. Criteria: ARUP Molecular Germline Variant Investigation Process. Collection method: clinical testing. Allele origin: germline.
Comment: The ATM c.4631A>G; p.Tyr1544Cys variant (rs779718362) is reported in the literature in individuals with breast cancer (Edvardsen 2007, Tung 2015), and is also reported in ClinVar (Variation ID: 245791). This variant is found in the general population with an overall allele frequency of 0.003% (8/240752 alleles) in the Genome Aggregation Database. The tyrosine at codon 1544 is moderately conserved, and computational analyses (SIFT, PolyPhen-2) predict that this variant may be deleterious. However, due to limited information, the clinical significance of this variant is uncertain at this time. REFERENCES Edvardsen H et al. Linkage disequilibrium pattern of the ATM gene in breast cancer patients and controls; association of SNPs and haplotypes to radio-sensitivity and post-lumpectomy local recurrence. Radiat Oncol. 2007 Jul 10;2:25. Tung N et al. Frequency of mutations in individuals with breast cancer referred for BRCA1 and BRCA2 testing using next-generation sequencing with a 25-gene panel. Cancer. 2015 Jan 1;121(1):25-33.

GeneDx
Classification: Uncertain significance. Last evaluated: 2018-03-13. Review status: criteria provided, single submitter. Criteria: GeneDx Variant Classification (06012015). Collection method: clinical testing. Allele origin: germline. Affected: yes.
Comment: This variant is denoted ATM c.4631A>G at the cDNA level, p.Tyr1544Cys (Y1544C) at the protein level, and results in the change of a Tyrosine to a Cysteine (TAC>TGC). This variant has been observed in individuals with breast or lung cancer, but has also been observed in a healthy control subject (Lu 2015, Decker 2017). ATM Tyr1544Cys was not observed at a significant allele frequency in large population cohorts (Lek 2016). This variant is not located in a known functional domain. In silico analysis, which includes protein predictors and evolutionary conservation, supports a deleterious effect. Based on currently available evidence, it is unclear whether ATM Tyr1544Cys is a pathogenic or benign variant. We consider it to be a variant of uncertain significance.

Genetic Services Laboratory, University of Chicago
Classification: Uncertain significance. Last evaluated: 2018-03-08. Review status: criteria provided, single submitter. Criteria: ACMG Guidelines, 2015. Collection method: clinical testing. Allele origin: germline. Affected: no.

Diagnostics Centre, Carl Von Ossietzky University Oldenburg
Classification: Uncertain significance for Familial cancer of breast. Last evaluated: 2025-07-11. Review status: no assertion criteria provided. Collection method: clinical testing. Allele origin: germline. Affected: yes. Observed: 1 variant allele. Not counted in ClinVar's aggregate classification.
Comment: The variant ATM:c.4631A>G p.(Tyr1544Cys), results from a guanine-to-adenine substitution at nucleotide position c.4631A>G. The tyrosine at protein position 1544 is replaced by a cysteine. The variant is assessed as tolerated by in silico tools (REVEL = 0.2). The variant is classified as very rare since it is absent in gnomAD v4.1.0. In summary, the variant is classified as variant of uncertain significance.

PreventionGenetics, part of Exact Sciences
Classification: Uncertain significance for ATM-related condition. Last evaluated: 2024-07-08. Review status: no assertion criteria provided. Collection method: clinical testing. Allele origin: germline. Not counted in ClinVar's aggregate classification.
Comment: The ATM c.4631A>G variant is predicted to result in the amino acid substitution p.Tyr1544Cys. This variant has been reported in individuals with breast or lung cancer (Tung N et al. 2014. PubMed ID: 25186627; Lu C et al. 2015. PubMed ID: 26689913; Schubert S et al. 2019. PubMed ID: 30426508; Hauke J et al. 2018. PubMed ID: 29522266). This variant is reported in 0.0073% of alleles in individuals of European (Non-Finnish) descent in gnomAD. This variant is classified as uncertain significance in ClinVar with multiple submitters in agreement. At this time, the clinical significance of this variant is uncertain due to the absence of conclusive functional and genetic evidence.

Natera, Inc.
Classification: Uncertain significance for Ataxia-telangiectasia. Last evaluated: 2020-09-16. Review status: no assertion criteria provided. Collection method: clinical testing. Allele origin: germline. Not counted in ClinVar's aggregate classification.

Clinical Genetics Laboratory, Department of Pathology, Netherlands Cancer Institute
Classification: Uncertain significance. Review status: no assertion criteria provided. Collection method: clinical testing. Allele origin: germline. Affected: yes. Study: VKGL Data-share Consensus. Not counted in ClinVar's aggregate classification.

Joint Genome Diagnostic Labs from Nijmegen and Maastricht, Radboudumc and MUMC+
Classification: Uncertain significance. Review status: no assertion criteria provided. Collection method: clinical testing. Allele origin: germline. Affected: yes. Study: VKGL Data-share Consensus. Not counted in ClinVar's aggregate classification.

Literature cited by the submitters: PubMed 25186627 (cited by 4 submitters); PubMed 26689913 (cited by Labcorp Genetics (formerly Invitae), Labcorp and Women's Health and Genetics/Laboratory Corporation of America, LabCorp); PubMed 29522266 (cited by 3 submitters); PubMed 30426508 (cited by Labcorp Genetics (formerly Invitae), Labcorp and Women's Health and Genetics/Laboratory Corporation of America, LabCorp); PubMed 3638722 (cited by Color Diagnostics, LLC DBA Color Health); PubMed 17623063 (cited by 3 submitters); PubMed 28779002 (cited by Color Diagnostics, LLC DBA Color Health and Ambry Genetics); PubMed 33471991 (cited by Color Diagnostics, LLC DBA Color Health); PubMed 36979741 (cited by Color Diagnostics, LLC DBA Color Health and Women's Health and Genetics/Laboratory Corporation of America, LabCorp); PubMed 27720647 (cited by Women's Health and Genetics/Laboratory Corporation of America, LabCorp); PubMed 29684080 (cited by Ambry Genetics); PubMed 25085752 (cited by Myriad Genetics, Inc.).